The following is an entry in ClinVar:

NM_001009944.3(PKD1):c.9832A>G (p.Ile3278Val)

Gene: PKD1 (polycystin 1, transient receptor potential channel interacting; minus strand). Cytogenetic location: 16p13.3.
Variant type: single nucleotide variant.
Coding change: c.9832A>G on transcript NM_001009944.3 (MANE Select); coding-DNA position 9832, A replaced by G.
Protein change: p.Ile3278Val; replaces isoleucine 3278 with valine.
Molecular consequence: missense variant.
Genome position (GRCh38, 1-based): chr16:2,099,952, T>C on the plus strand (A>G on the coding strand, the complement: PKD1 is on the minus strand). VCF-style: chr16-2099952-T-C. GRCh37 (hg19) VCF-style: chr16-2149953-T-C.
Other names: c.9832A>G, p.Ile3278Val (NM_000296.4); short protein forms I3278V.
Identifiers: ClinVar variation 3579068 (VCV003579068.2).

ClinVar aggregate classification (germline): Conflicting classifications of pathogenicity. Review status: criteria provided, conflicting classifications (1 of 4 stars). 2 submissions from 2 submitters: Uncertain significance (1); Likely benign (1). Last evaluated 2026-07-01.

Conditions:
Polycystic kidney disease, adult type (PKD1). Also called: Polycystic Kidney, Autosomal Dominant; Polycystic Kidney Disease 1, Autosomal Dominant; Polycystic kidney disease 1; Polycystic kidney disease 1, severe; POLYCYSTIC KIDNEY DISEASE 1 WITH OR WITHOUT POLYCYSTIC LIVER DISEASE; POLYCYSTIC KIDNEY DISEASE, ADULT, TYPE I. Identifiers: MedGen C3149841, MONDO:0008263, OMIM 173900.

gnomAD v4.1: 1 of 1,563,476 alleles (0.000064%); highest among the groups gnomAD compares: Non-Finnish European, 0.000087%; no homozygotes.

Submissions (2):

CeGaT Center for Human Genetics Tuebingen
Classification: Likely benign. Last evaluated: 2026-07-01. Review status: criteria provided, single submitter. Criteria: CeGaT Center For Human Genetics Tuebingen Variant Classification Criteria Version 2. Collection method: clinical testing. Allele origin: germline. Affected: yes. Observed: 1 variant allele.
Comment: PKD1: BP4

Fulgent Genetics
Classification: Uncertain significance for Polycystic kidney disease, adult type. Last evaluated: 2024-02-13. Review status: criteria provided, single submitter. Criteria: ACMG Guidelines, 2015. Collection method: clinical testing. Allele origin: germline.